The following is an entry in ClinVar:

ClinVar aggregate classification (germline): Uncertain significance. Review status: criteria provided, single submitter (1 of 4 stars). 2 submissions from 2 submitters: Uncertain significance (1). 1 of the submissions does not count toward it. Last evaluated 2026-01-16.

Conditions:
Familial adenomatous polyposis 1 (FAP1). Also called: POLYPOSIS, ADENOMATOUS INTESTINAL; FAMILIAL ADENOMATOUS POLYPOSIS 1, ATTENUATED. Identifiers: MedGen C2713442, MONDO:0021056, OMIM 175100. Disease mechanism: loss of function.

Allele frequency attached by ClinVar (database versions not stated): gnomAD exomes 0.00001; TOPMed 0.00002; gnomAD 0.00001.

Submissions (2):

Labcorp Genetics (formerly Invitae), Labcorp
Classification: Uncertain significance for Familial adenomatous polyposis 1. Last evaluated: 2026-01-16. Review status: criteria provided, single submitter. Criteria: Invitae Variant Classification Sherloc (09022015). Collection method: clinical testing. Allele origin: germline.
Comment: This variant occurs in a non-coding region of the APC gene. It does not change the encoded amino acid sequence of the APC protein. This variant is present in population databases (no rsID available, gnomAD 0.007%). This variant has not been reported in the literature in individuals affected with APC-related conditions. ClinVar contains an entry for this variant (Variation ID: 371917). Experimental studies and prediction algorithms are not available or were not evaluated, and the functional significance of this variant is currently unknown. In summary, the available evidence is currently insufficient to determine the role of this variant in disease. Therefore, it has been classified as a Variant of Uncertain Significance.

Counsyl
Classification: Likely benign for Familial adenomatous polyposis 1. Last evaluated: 2016-08-18. Review status: no assertion criteria provided. Collection method: clinical testing. Allele origin: unknown. Not counted in ClinVar's aggregate classification.

NM_001127511.3(APC):c.122C>T (p.Pro41Leu)

Gene: APC (APC regulator of Wnt signaling pathway; plus strand). Cytogenetic location: 5q22.2.
Variant type: single nucleotide variant.
Coding change: c.122C>T on transcript NM_001127511.3; coding-DNA position 122, C replaced by T.
Protein change: p.Pro41Leu; replaces proline 41 with leucine.
Molecular consequence: missense variant. On other transcripts: intron variant (5), 5 prime UTR variant (8), non-coding transcript variant (1).
Genome position (GRCh38, 1-based): chr5:112,707,839, C>T. VCF-style: chr5-112707839-C-T. GRCh37 (hg19) VCF-style: chr5-112043536-C-T.
Other names: c.-19+190C>T (NM_001407458.1, NM_001407448.1, NM_001407450.1 and 1 more transcripts); c.-43+190C>T (NM_001407453.1); c.-62C>T (NM_001354895.2, NM_001407447.1, NM_001407452.1 and 3 more transcripts); c.122C>T, p.Pro41Leu (NM_001354897.2, NM_001354902.2, NM_001407446.1); c.-1097C>T (NM_001407470.1, NM_001407472.1); short protein forms P41L.
Identifiers: ClinVar variation 371917 (VCV000371917.13), dbSNP rs1057517584, ClinGen allele CA16042079.